The following is an entry in ClinVar:

NM_031935.3(HMCN1):c.16299T>G (p.Ile5433Met)

Gene: HMCN1 (hemicentin 1; plus strand). Cytogenetic location: 1q31.1.
Variant type: single nucleotide variant.
Coding change: c.16299T>G on transcript NM_031935.3 (MANE Select); coding-DNA position 16299, T replaced by G.
Protein change: p.Ile5433Met; replaces isoleucine 5433 with methionine.
Molecular consequence: missense variant.
Genome position (GRCh38, 1-based): chr1:186,182,172, T>G. VCF-style: chr1-186182172-T-G. GRCh37 (hg19) VCF-style: chr1-186151304-T-G.
Other names: c.16299T>G (NM_031935.2); short protein forms I5433M.
Identifiers: ClinVar variation 1356486 (VCV001356486.8), dbSNP rs553018813, ClinGen allele CA1295520.

ClinVar aggregate classification (germline): Uncertain significance. Review status: criteria provided, multiple submitters, no conflicts (2 of 4 stars). 3 submissions from 3 submitters: Uncertain significance (3). Last evaluated 2025-08-12.

Conditions:
Age related macular degeneration 1 (ARMD1). Also called: MACULOPATHY, AGE-RELATED, 1. Identifiers: MedGen C1864205, MONDO:0011285, OMIM 603075.

Allele frequency attached by ClinVar (database versions not stated): gnomAD exomes 0.00002 and 0.00004; ExAC 0.00003; TOPMed 0.00004; gnomAD 0.00005.
gnomAD v4.1: 68 of 1,613,050 alleles (0.0042%); highest among the groups gnomAD compares: Non-Finnish European, 0.0056%; no homozygotes.

Submissions (3):

Labcorp Genetics (formerly Invitae), Labcorp
Classification: Uncertain significance. Last evaluated: 2025-08-12. Review status: criteria provided, single submitter. Criteria: Invitae Variant Classification Sherloc (09022015). Collection method: clinical testing. Allele origin: germline.
Comment: This sequence change replaces isoleucine, which is neutral and non-polar, with methionine, which is neutral and non-polar, at codon 5433 of the HMCN1 protein (p.Ile5433Met). This variant is present in population databases (rs553018813, gnomAD 0.005%). This variant has not been reported in the literature in individuals affected with HMCN1-related conditions. ClinVar contains an entry for this variant (Variation ID: 1356486). An algorithm developed to predict the effect of missense changes on protein structure and function (PolyPhen-2) suggests that this variant is likely to be tolerated. In summary, the available evidence is currently insufficient to determine the role of this variant in disease. Therefore, it has been classified as a Variant of Uncertain Significance.

Ambry Genetics
Classification: Uncertain significance. Last evaluated: 2023-04-20. Review status: criteria provided, single submitter. Criteria: Ambry Variant Classification Scheme 2023. Collection method: clinical testing. Allele origin: germline.

Genome-Nilou Lab
Classification: Uncertain significance for Age related macular degeneration 1. Last evaluated: 2023-04-11. Review status: criteria provided, single submitter. Criteria: ACMG Guidelines, 2015. Collection method: clinical testing. Allele origin: germline. Affected: no.